The following is an entry in ClinVar:

ClinVar aggregate classification (germline): Uncertain significance (1 of 4 stars; one submission).

Conditions:
Inborn genetic diseases. Identifiers: MedGen C0950123, MeSH D030342.

Submission:

Ambry Genetics
Classification: Uncertain significance for Inborn genetic diseases. Last evaluated: 2024-12-10. Review status: criteria provided, single submitter. Criteria: Ambry Variant Classification Scheme 2023. Collection method: clinical testing. Allele origin: germline.
Comment: The p.I1167N variant (also known as c.3500T>A), located in coding exon 24 of the ANKRD26 gene, results from a T to A substitution at nucleotide position 3500. The isoleucine at codon 1167 is replaced by asparagine, an amino acid with dissimilar properties. This amino acid position is conserved. In addition, this alteration is predicted to be tolerated by in silico analysis. Based on the available evidence, the clinical significance of this variant remains unclear.

NM_014915.3(ANKRD26):c.3500T>A (p.Ile1167Asn)

Gene: ANKRD26 (ankyrin repeat domain containing 26; minus strand). Cytogenetic location: 10p12.1.
Variant type: single nucleotide variant.
Coding change: c.3500T>A on transcript NM_014915.3 (MANE Select); coding-DNA position 3500, T replaced by A.
Protein change: p.Ile1167Asn; replaces isoleucine 1167 with asparagine.
Molecular consequence: missense variant.
Genome position (GRCh38, 1-based): chr10:27,034,950, A>T on the plus strand (T>A on the coding strand, the complement: ANKRD26 is on the minus strand). VCF-style: chr10-27034950-A-T. GRCh37 (hg19) VCF-style: chr10-27323879-A-T.
Other names: c.3497T>A, p.Ile1166Asn (NM_001256053.2); short protein forms I1167N, I1166N.
Identifiers: ClinVar variation 3397379 (VCV003397379.1).